The following is an entry in ClinVar:

ClinVar aggregate classification (germline): Benign. Review status: criteria provided, multiple submitters, no conflicts (2 of 4 stars). 15 submissions from 11 submitters: Benign (11). 4 of the submissions do not count toward it. Last evaluated 2026-05-08.

Conditions:
FGFR2-related craniosynostosis. Identifiers: MedGen CN231480.
Craniosynostosis syndrome. Also called: Craniosynostosis. Identifiers: Orphanet 1531, MedGen C0010278, MeSH D003398, MONDO:0015469, HP:0001363.
Isolated Coronal Synostosis. Identifiers: MedGen CN043619.
Crouzon syndrome. Also called: Craniofacial dysostosis type 1; Crouzon craniofacial dysostosis; Crouzon disease; Craniofacial dysostosis; CRANIOFACIAL DYSOSTOSIS, TYPE I. Identifiers: Orphanet 207, MedGen C0010273, MeSH D003394, MONDO:0007405, OMIM 123500, HP:0004439.
Beare-Stevenson cutis gyrata syndrome (BSTVS). Identifiers: Orphanet 1555, MedGen C1852406, MONDO:0007412, OMIM 123790.
Saethre-Chotzen syndrome (SCS). Also called: ACROCEPHALY, SKULL ASYMMETRY, AND MILD SYNDACTYLY; ACS III; CHOTZEN SYNDROME. Identifiers: Orphanet 794, MedGen C0175699, MONDO:0007042, OMIM 101400.

Allele frequency attached by ClinVar (database versions not stated): 1000 Genomes Project 30x 0.42161; 1000 Genomes Project 0.42312; ESP Exome Variant Server 0.45441; gnomAD 0.45747 and 0.46576; TOPMed 0.46435; gnomAD exomes 0.56046 and 0.58141; ExAC 0.56138.
gnomAD v4.1: 906,139 of 1,591,672 alleles (57%); highest among the groups gnomAD compares: Admixed American, 72%; 267,249 homozygotes.

Submissions (15):

Women's Health and Genetics/Laboratory Corporation of America, LabCorp
Classification: Benign. Last evaluated: 2026-05-08. Review status: criteria provided, single submitter. Criteria: LabCorp Variant Classification Summary - May 2015. Collection method: clinical testing. Allele origin: germline.

Labcorp Genetics (formerly Invitae), Labcorp
Classification: Benign for FGFR2-related craniosynostosis. Last evaluated: 2026-02-04. Review status: criteria provided, single submitter. Criteria: Invitae Variant Classification Sherloc (09022015). Collection method: clinical testing. Allele origin: germline.

Blueprint Genetics
Classification: Benign. Last evaluated: 2024-11-27. Review status: criteria provided, single submitter. Criteria: ACMG Guidelines, 2015. Collection method: clinical testing. Allele origin: germline.

Illumina Laboratory Services, Illumina
Classification: Benign for Crouzon syndrome. Last evaluated: 2018-01-13. Review status: criteria provided, single submitter. Criteria: ICSL Variant Classification Criteria 13 December 2019. Collection method: clinical testing. Allele origin: germline.
Comment: This variant was observed in the ICSL laboratory as part of a predisposition screen in an ostensibly healthy population. It had not been previously curated by ICSL or reported in the Human Gene Mutation Database (HGMD: prior to June 1st, 2018), and was therefore a candidate for classification through an automated scoring system. Utilizing variant allele frequency, disease prevalence and penetrance estimates, and inheritance mode, an automated score was calculated to assess if this variant is too frequent to cause the disease. Based on the score and internal cut-off values, a variant classified as benign is not then subjected to further curation. The score for this variant resulted in a classification of benign for this disease.

Illumina Laboratory Services, Illumina
Classification: Benign for Isolated coronal synostosis. Last evaluated: 2018-01-13. Review status: criteria provided, single submitter. Criteria: ICSL Variant Classification Criteria 13 December 2019. Collection method: clinical testing. Allele origin: germline.
Comment: the same text as in the submission from Illumina Laboratory Services, Illumina above.

Illumina Laboratory Services, Illumina
Classification: Benign for Craniosynostosis. Last evaluated: 2018-01-13. Review status: criteria provided, single submitter. Criteria: ICSL Variant Classification Criteria 13 December 2019. Collection method: clinical testing. Allele origin: germline.
Comment: the same text as in the submission from Illumina Laboratory Services, Illumina above.

Illumina Laboratory Services, Illumina
Classification: Benign for Saethre-Chotzen syndrome. Last evaluated: 2018-01-13. Review status: criteria provided, single submitter. Criteria: ICSL Variant Classification Criteria 13 December 2019. Collection method: clinical testing. Allele origin: germline.
Comment: the same text as in the submission from Illumina Laboratory Services, Illumina above.

Illumina Laboratory Services, Illumina
Classification: Benign for Beare-Stevenson cutis gyrata syndrome. Last evaluated: 2018-01-13. Review status: criteria provided, single submitter. Criteria: ICSL Variant Classification Criteria 13 December 2019. Collection method: clinical testing. Allele origin: germline.
Comment: the same text as in the submission from Illumina Laboratory Services, Illumina above.

GeneDx
Classification: Benign. Last evaluated: 2016-03-03. Review status: criteria provided, single submitter. Criteria: GeneDx Variant Classification (06012015). Collection method: clinical testing. Allele origin: germline. Affected: yes.
Comment: This variant is considered likely benign or benign based on one or more of the following criteria: it is a conservative change, it occurs at a poorly conserved position in the protein, it is predicted to be benign by multiple in silico algorithms, and/or has population frequency not consistent with disease.

Breakthrough Genomics
Classification: Benign. Review status: criteria provided, single submitter. Criteria: ACMG Guidelines, 2015. Collection method: not provided. Allele origin: germline. Inheritance: Autosomal dominant inheritance. Affected: yes.

PreventionGenetics, part of Exact Sciences
Classification: Benign. Review status: criteria provided, single submitter. Criteria: ACMG Guidelines, 2015. Collection method: clinical testing. Allele origin: germline.

Clinical Genetics DNA and cytogenetics Diagnostics Lab, Erasmus MC, Erasmus Medical Center
Classification: Benign. Review status: no assertion criteria provided. Collection method: clinical testing. Allele origin: germline. Affected: yes. Study: VKGL Data-share Consensus. Not counted in ClinVar's aggregate classification.

Diagnostic Laboratory, Department of Genetics, University Medical Center Groningen
Classification: Benign. Review status: no assertion criteria provided. Collection method: clinical testing. Allele origin: germline. Affected: yes. Study: VKGL Data-share Consensus. Not counted in ClinVar's aggregate classification.

Genome Diagnostics Laboratory, University Medical Center Utrecht
Classification: Benign. Review status: no assertion criteria provided. Collection method: clinical testing. Allele origin: germline. Affected: yes. Study: VKGL Data-share Consensus. Not counted in ClinVar's aggregate classification.

Joint Genome Diagnostic Labs from Nijmegen and Maastricht, Radboudumc and MUMC+
Classification: Benign. Review status: no assertion criteria provided. Collection method: clinical testing. Allele origin: germline. Affected: yes. Study: VKGL Data-share Consensus. Not counted in ClinVar's aggregate classification.

NM_000141.5(FGFR2):c.2301+15C>T

Gene: FGFR2 (fibroblast growth factor receptor 2; minus strand). Cytogenetic location: 10q26.13.
Variant type: single nucleotide variant.
Coding change: c.2301+15C>T on transcript NM_000141.5 (MANE Select); 15 bases into the intron after coding-DNA position 2301, C replaced by T.
Molecular consequence: intron variant.
Genome position (GRCh38, 1-based): chr10:121,483,683, G>A on the plus strand (C>T on the coding strand, the complement: FGFR2 is on the minus strand). VCF-style: chr10-121483683-G-A. GRCh37 (hg19) VCF-style: chr10-123243197-G-A.
Other names: c.2034+15C>T (NM_023029.3, NM_001144915.2); c.2031+15C>T (NM_001441088.1); c.1953+15C>T (NM_001144917.2); c.2295+15C>T (NM_001320658.2); c.2298+15C>T (NM_001441087.1); c.2304+15C>T (NM_022970.4, NM_001144913.1); c.1956+15C>T (NM_001144916.2, NM_001441090.1); c.1617+15C>T (NM_001320654.2); and 4 more.
Identifiers: ClinVar variation 255317 (VCV000255317.24), dbSNP rs2278202, ClinGen allele CA5720511.